The following is an entry in ClinVar:

ClinVar aggregate classification (germline): Uncertain significance (1 of 4 stars; one submission).

Allele frequency attached by ClinVar (database versions not stated): TOPMed below 0.00001; ExAC 0.00001; gnomAD exomes 0.00001; ESP Exome Variant Server 0.00008.
gnomAD v4.1: 3 of 1,612,948 alleles (0.00019%); highest among the groups gnomAD compares: Non-Finnish European, 0.00025%; no homozygotes.

Submission:

Labcorp Genetics (formerly Invitae), Labcorp
Classification: Uncertain significance. Last evaluated: 2023-03-21. Review status: criteria provided, single submitter. Criteria: Invitae Variant Classification Sherloc (09022015). Collection method: clinical testing. Allele origin: germline.
Comment: This sequence change replaces aspartic acid, which is acidic and polar, with tyrosine, which is neutral and polar, at codon 571 of the KIF2A protein (p.Asp571Tyr). This variant is present in population databases (rs373103381, gnomAD 0.002%). This variant has not been reported in the literature in individuals affected with KIF2A-related conditions. An algorithm developed to predict the effect of missense changes on protein structure and function (PolyPhen-2) suggests that this variant is likely to be disruptive. In summary, the available evidence is currently insufficient to determine the role of this variant in disease. Therefore, it has been classified as a Variant of Uncertain Significance.

NM_001098511.3(KIF2A):c.1711G>T (p.Asp571Tyr)

Gene: KIF2A (kinesin family member 2A; plus strand). Cytogenetic location: 5q12.1.
Variant type: single nucleotide variant.
Coding change: c.1711G>T on transcript NM_001098511.3 (MANE Select); coding-DNA position 1711, G replaced by T.
Protein change: p.Asp571Tyr; replaces aspartic acid 571 with tyrosine.
Molecular consequence: missense variant. On other transcripts: intron variant (3).
Genome position (GRCh38, 1-based): chr5:62,372,502, G>T. VCF-style: chr5-62372502-G-T. GRCh37 (hg19) VCF-style: chr5-61668329-G-T.
Other names: c.1566-1185G>T (NM_001243952.2); c.1647-1185G>T (NM_004520.5); c.1590-1185G>T (NM_001243953.2); short protein forms D571Y.
Identifiers: ClinVar variation 2720155 (VCV002720155.3), dbSNP rs373103381, ClinGen allele CA3279027.